The following is an entry in ClinVar:

ClinVar aggregate classification (germline): Pathogenic (1 of 4 stars; one submission).

Conditions:
Spastic paraplegia. Identifiers: MedGen C0037772, HP:0001258.

Submission:

Labcorp Genetics (formerly Invitae), Labcorp
Classification: Pathogenic for Spastic paraplegia. Last evaluated: 2024-08-19. Review status: criteria provided, single submitter. Criteria: Invitae Variant Classification Sherloc (09022015). Collection method: clinical testing. Allele origin: germline.
Comment: This sequence change creates a premature translational stop signal (p.Asn4030Metfs*6) in the SACS gene. While this is not anticipated to result in nonsense mediated decay, it is expected to disrupt the last 550 amino acid(s) of the SACS protein. This variant is not present in population databases (gnomAD no frequency). This variant has not been reported in the literature in individuals affected with SACS-related conditions. This variant disrupts a region of the SACS protein in which other variant(s) (p.Asn4549Asp) have been determined to be pathogenic (PMID: 15156359, 21507954). This suggests that this is a clinically significant region of the protein, and that variants that disrupt it are likely to be disease-causing. For these reasons, this variant has been classified as Pathogenic.

Literature cited by the submitters: PubMed 15156359; PubMed 21507954.

NM_014363.6(SACS):c.12089del (p.Asn4030fs)

Gene: SACS (sacsin molecular chaperone; minus strand). Cytogenetic location: 13q12.12.
Variant type: Deletion.
Coding change: c.12089del on transcript NM_014363.6 (MANE Select); coding-DNA position 12089, one base deleted (A; older notation c.12089delA).
Protein change: p.Asn4030fs; shifts the reading frame from asparagine 4030.
Molecular consequence: frameshift variant.
Genome position (GRCh38, 1-based): chr13:23,331,787, T deleted on the plus strand (A on the coding strand, the reverse complement: SACS is on the minus strand); the first of 2 consecutive T bases (chr13:23,331,787-23,331,788); deleting either gives the same sequence. VCF-style (leftmost placement, unchanged base first): chr13-23331786-AT-A. GRCh37 (hg19) VCF-style: chr13-23905925-AT-A.
Other names: c.11648del, p.Asn3883fs (NM_001278055.2); short protein forms N3883fs, N4030fs.
Identifiers: ClinVar variation 2708315 (VCV002708315.3), dbSNP rs2542160021, ClinGen allele CA2697551682.